The following is an entry in ClinVar:

NM_022765.4(MICAL1):c.1635C>T (p.Ala545=)

Gene: MICAL1 (microtubule associated monooxygenase, calponin and LIM domain containing 1; minus strand). Cytogenetic location: 6q21.
Variant type: single nucleotide variant.
Coding change: c.1635C>T on transcript NM_022765.4 (MANE Select); coding-DNA position 1635, C replaced by T.
Protein change: p.Ala545=; no amino-acid change (alanine 545 retained).
Molecular consequence: synonymous variant.
Genome position (GRCh38, 1-based): chr6:109,448,761, G>A on the plus strand (C>T on the coding strand, the complement: MICAL1 is on the minus strand). VCF-style: chr6-109448761-G-A. GRCh37 (hg19) VCF-style: chr6-109769964-G-A.
Other names: c.1377C>T, p.Ala459= (NM_001159291.2); c.1692C>T, p.Ala564= (NM_001286613.2).
Identifiers: ClinVar variation 1901933 (VCV001901933.29), dbSNP rs755295605, ClinGen allele CA3953274.

ClinVar aggregate classification (germline): Likely benign. Review status: criteria provided, multiple submitters, no conflicts (2 of 4 stars). 2 submissions from 2 submitters: Likely benign (2). Last evaluated 2026-01-05.

Allele frequency attached by ClinVar (database versions not stated): ExAC 0.00002; gnomAD 0.00002; TOPMed 0.00002; gnomAD exomes 0.00004.
gnomAD v4.1: 57 of 1,613,930 alleles (0.0035%); highest among the groups gnomAD compares: South Asian, 0.013%; no homozygotes.

Submissions (2):

Labcorp Genetics (formerly Invitae), Labcorp
Classification: Likely benign. Last evaluated: 2026-01-05. Review status: criteria provided, single submitter. Criteria: Invitae Variant Classification Sherloc (09022015). Collection method: clinical testing. Allele origin: germline.

CeGaT Center for Human Genetics Tuebingen
Classification: Likely benign. Last evaluated: 2022-03-01. Review status: criteria provided, single submitter. Criteria: CeGaT Center For Human Genetics Tuebingen Variant Classification Criteria Version 2. Collection method: clinical testing. Allele origin: germline. Affected: yes. Observed: 1 variant allele.
Comment: MICAL1: BP4, BP7